The following is an entry in ClinVar:

NM_000540.3(RYR1):c.10767C>T (p.Pro3589=)

Gene: RYR1 (ryanodine receptor 1; plus strand). Cytogenetic location: 19q13.2.
Variant type: single nucleotide variant.
Coding change: c.10767C>T on transcript NM_000540.3 (MANE Select); coding-DNA position 10767, C replaced by T.
Protein change: p.Pro3589=; no amino-acid change (proline 3589 retained).
Molecular consequence: synonymous variant.
Genome position (GRCh38, 1-based): chr19:38,527,727, C>T. VCF-style: chr19-38527727-C-T. GRCh37 (hg19) VCF-style: chr19-39018367-C-T.
Other names: c.10752C>T, p.Pro3584= (NM_001042723.2).
Identifiers: ClinVar variation 2737617 (VCV002737617.5), dbSNP rs771849776, ClinGen allele CA054654.

ClinVar aggregate classification (germline): Likely benign. Review status: criteria provided, multiple submitters, no conflicts (2 of 4 stars). 3 submissions from 3 submitters: Likely benign (3). Last evaluated 2023-11-25.

Conditions:
Malignant hyperthermia, susceptibility to, 1 (MHS1). Also called: RYR1-Related Malignant Hyperthermia Susceptibility; Malignant hyperthermia suceptibility 1; Anesthesia related hyperthermia; Malignant hyperpyrexia; Fulminating hyperpyrexia; Pharmacogenic myopathy. Identifiers: Orphanet 423, MedGen C2930980, MONDO:0007783, OMIM 145600.
RYR1-related disorder. Also called: RYR1-related disorders; RYR1-related condition. Identifiers: MedGen CN239331.

Allele frequency attached by ClinVar (database versions not stated): gnomAD exomes 0.00003.
gnomAD v4.1: 47 of 1,613,990 alleles (0.0029%); highest among the groups gnomAD compares: South Asian, 0.024%; 1 homozygote.

Submissions (3):

Labcorp Genetics (formerly Invitae), Labcorp
Classification: Likely benign for RYR1-related disorder. Last evaluated: 2023-11-25. Review status: criteria provided, single submitter. Criteria: Invitae Variant Classification Sherloc (09022015). Collection method: clinical testing. Allele origin: germline.

All of Us Research Program, National Institutes of Health
Classification: Likely benign for Malignant hyperthermia, susceptibility to, 1. Last evaluated: 2023-11-20. Review status: criteria provided, single submitter. Criteria: ACMG Guidelines, 2015. Collection method: clinical testing. Allele origin: germline. Inheritance: Autosomal dominant inheritance. Observed: 3 variant alleles, 3 heterozygotes.
Comment: This study involves interpretation of variants in research participants for the purpose of population health screening. Participant phenotype was not available at the time of variant classification. Additional details can be found in publication PMID: 35346344, PMCID: PMC8962531

Color Diagnostics, LLC DBA Color Health
Classification: Likely benign for Malignant hyperthermia, susceptibility to, 1. Last evaluated: 2022-11-06. Review status: criteria provided, single submitter. Criteria: ACMG Guidelines, 2015. Collection method: clinical testing. Allele origin: germline.